The following is an entry in ClinVar:

ClinVar aggregate classification (germline): Uncertain significance (1 of 4 stars; one submission).

gnomAD v4.1: 1 of 1,609,586 alleles (0.000062%); highest among the groups gnomAD compares: Non-Finnish European, 0.000085%; no homozygotes.

Submission:

Labcorp Genetics (formerly Invitae), Labcorp
Classification: Uncertain significance. Last evaluated: 2022-05-19. Review status: criteria provided, single submitter. Criteria: Invitae Variant Classification Sherloc (09022015). Collection method: clinical testing. Allele origin: germline.
Comment: In summary, the available evidence is currently insufficient to determine the role of this variant in disease. Therefore, it has been classified as a Variant of Uncertain Significance. Algorithms developed to predict the effect of missense changes on protein structure and function are either unavailable or do not agree on the potential impact of this missense change (SIFT: "Deleterious"; PolyPhen-2: "Probably Damaging"; Align-GVGD: "Class C0"). This variant has not been reported in the literature in individuals affected with ADGRV1-related conditions. This variant is not present in population databases (gnomAD no frequency). This sequence change replaces asparagine, which is neutral and polar, with isoleucine, which is neutral and non-polar, at codon 2345 of the ADGRV1 protein (p.Asn2345Ile).

NM_032119.4(ADGRV1):c.7034A>T (p.Asn2345Ile)

Gene: ADGRV1 (adhesion G protein-coupled receptor V1; plus strand). Cytogenetic location: 5q14.3.
Variant type: single nucleotide variant.
Coding change: c.7034A>T on transcript NM_032119.4 (MANE Select); coding-DNA position 7034, A replaced by T.
Protein change: p.Asn2345Ile; replaces asparagine 2345 with isoleucine.
Molecular consequence: missense variant. On other transcripts: non-coding transcript variant (1).
Genome position (GRCh38, 1-based): chr5:90,692,687, A>T. VCF-style: chr5-90692687-A-T. GRCh37 (hg19) VCF-style: chr5-89988504-A-T.
Other names: short protein forms N2345I.
Identifiers: ClinVar variation 1996439 (VCV001996439.4), dbSNP rs2366926, ClinGen allele CA360371273.